The following is an entry in ClinVar:

NM_001365999.1(SZT2):c.880-1G>C

Gene: SZT2 (SZT2 subunit of KICSTOR complex; plus strand). Cytogenetic location: 1p34.2.
Variant type: single nucleotide variant.
Coding change: c.880-1G>C on transcript NM_001365999.1 (MANE Select); the canonical splice acceptor site of the intron before coding-DNA position 880, G replaced by C.
Molecular consequence: splice acceptor variant.
Genome position (GRCh38, 1-based): chr1:43,419,733, G>C. VCF-style: chr1-43419733-G-C. GRCh37 (hg19) VCF-style: chr1-43885404-G-C.
Other names: c.880-1G>C (NM_015284.4).
Identifiers: ClinVar variation 851104 (VCV000851104.9), dbSNP rs1652116565, ClinGen allele CA340005666.

ClinVar aggregate classification (germline): Pathogenic (1 of 4 stars; one submission).

Submission:

Labcorp Genetics (formerly Invitae), Labcorp
Classification: Pathogenic. Last evaluated: 2025-09-02. Review status: criteria provided, single submitter. Criteria: Invitae Variant Classification Sherloc (09022015). Collection method: clinical testing. Allele origin: germline.
Comment: This sequence change affects an acceptor splice site in intron 7 of the SZT2 gene. It is expected to disrupt RNA splicing. Variants that disrupt the donor or acceptor splice site typically lead to a loss of protein function (PMID: 16199547), and loss-of-function variants in SZT2 are known to be pathogenic (PMID: 23932106, 27248490, 28556953). This variant is not present in population databases (gnomAD no frequency). Disruption of this splice site has been observed in individual(s) with clinical features of early infantile epileptic encephalopathy (internal data). In at least one individual the data is consistent with being in trans (on the opposite chromosome) from a pathogenic variant. ClinVar contains an entry for this variant (Variation ID: 851104). Algorithms developed to predict the effect of sequence changes on RNA splicing suggest that this variant may disrupt the consensus splice site. For these reasons, this variant has been classified as Pathogenic.

Literature cited by the submitters: PubMed 16199547; PubMed 23932106; PubMed 27248490; PubMed 28556953.